The following is an entry in ClinVar:

NM_006648.4(WNK2):c.4189G>C (p.Asp1397His)

Gene: WNK2 (WNK lysine deficient protein kinase 2; plus strand). Cytogenetic location: 9q22.31.
Variant type: single nucleotide variant.
Coding change: c.4189G>C on transcript NM_006648.4 (MANE Select); coding-DNA position 4189, G replaced by C.
Protein change: p.Asp1397His; replaces aspartic acid 1397 with histidine.
Molecular consequence: missense variant.
Genome position (GRCh38, 1-based): chr9:93,288,943, G>C. VCF-style: chr9-93288943-G-C. GRCh37 (hg19) VCF-style: chr9-96051225-G-C.
Other names: c.4300G>C, p.Asp1434His (NM_001282394.3); short protein forms D1434H, D1397H.
Identifiers: ClinVar variation 5031879 (VCV005031879.1).

ClinVar aggregate classification (germline): Uncertain significance (1 of 4 stars; one submission).

gnomAD v4.1: 1 of 1,606,158 alleles (0.000062%); highest among the groups gnomAD compares: Non-Finnish European, 0.000085%; no homozygotes.

Submission:

Ambry Genetics
Classification: Uncertain significance. Last evaluated: 2026-07-25. Review status: criteria provided, single submitter. Criteria: Ambry Variant Classification Scheme 2023. Collection method: clinical testing. Allele origin: germline.
Comment: The p.D1397H variant (also known as c.4189G>C), located in coding exon 19 of the WNK2 gene, results from a G to C substitution at nucleotide position 4189. The aspartic acid at codon 1397 is replaced by histidine, an amino acid with similar properties. This amino acid position is conserved. In addition, this alteration is predicted to be tolerated by in silico analysis. Based on the available evidence, the clinical significance of this variant remains unclear.